The following is an entry in ClinVar:

NM_001365536.1(SCN9A):c.252C>A (p.Asp84Glu)

Gene: SCN9A (sodium voltage-gated channel alpha subunit 9; minus strand). Cytogenetic location: 2q24.3.
Variant type: single nucleotide variant.
Coding change: c.252C>A on transcript NM_001365536.1 (MANE Select); coding-DNA position 252, C replaced by A.
Protein change: p.Asp84Glu; replaces aspartic acid 84 with glutamic acid.
Molecular consequence: missense variant.
Genome position (GRCh38, 1-based): chr2:166,311,505, G>T on the plus strand (C>A on the coding strand, the complement: SCN9A is on the minus strand). VCF-style: chr2-166311505-G-T. GRCh37 (hg19) VCF-style: chr2-167168015-G-T.
Other names: c.252C>A, p.Asp84Glu (NM_002977.4); short protein forms D84E.
Identifiers: ClinVar variation 1051854 (VCV001051854.9), dbSNP rs752915464, ClinGen allele CA349095778.
Genomic context (GRCh38, chr2:166,311,505, plus strand): 5'-TTTATACAGAAGGAAGCCAACAGAAACTGACCACTGAAGTCAAAATAAACTCACCTTTTT[G>T]TCTGCATAGTAGGGGTCCAAGTCCTCCAGGGGCTCTGACACCATGCCGGGAGGAATGTCC-3'
Protein context (NP_001352465.1, residues 74-94): PLEDLDPYYA[Asp84Glu]KKTFIVLNKG

ClinVar aggregate classification (germline): Uncertain significance (1 of 4 stars; one submission).

Conditions:
Neuropathy, hereditary sensory and autonomic, type 2A (HSAN2A). Also called: HSAN IIA; ACROOSTEOLYSIS, GIACCAI TYPE; ACROOSTEOLYSIS, NEUROGENIC; MORVAN DISEASE; NEUROPATHY, CONGENITAL SENSORY; NEUROPATHY, HEREDITARY SENSORY RADICULAR, AUTOSOMAL RECESSIVE. Identifiers: Orphanet 970, MedGen C2752089, MONDO:0024309, OMIM 201300.
Generalized epilepsy with febrile seizures plus, type 7 (GEFSP7). Also called: GEFS+, TYPE 7. Identifiers: Orphanet 36387, MedGen C2751778, MONDO:0013470, OMIM 613863.

Submission:

Labcorp Genetics (formerly Invitae), Labcorp
Classification: Uncertain significance for Neuropathy, hereditary sensory and autonomic, type 2A; Generalized epilepsy with febrile seizures plus, type 7. Last evaluated: 2023-08-10. Review status: criteria provided, single submitter. Criteria: Invitae Variant Classification Sherloc (09022015). Collection method: clinical testing. Allele origin: germline.
Comment: In summary, the available evidence is currently insufficient to determine the role of this variant in disease. Therefore, it has been classified as a Variant of Uncertain Significance. Advanced modeling of protein sequence and biophysical properties (such as structural, functional, and spatial information, amino acid conservation, physicochemical variation, residue mobility, and thermodynamic stability) performed at Invitae indicates that this missense variant is not expected to disrupt SCN9A protein function. ClinVar contains an entry for this variant (Variation ID: 1051854). This variant has not been reported in the literature in individuals affected with SCN9A-related conditions. This variant is not present in population databases (gnomAD no frequency). This sequence change replaces aspartic acid, which is acidic and polar, with glutamic acid, which is acidic and polar, at codon 84 of the SCN9A protein (p.Asp84Glu).